The following is an entry in ClinVar:

NM_007294.4(BRCA1):c.4485-1G>T

Gene: BRCA1 (BRCA1 DNA repair associated; minus strand). Cytogenetic location: 17q21.31.
Variant type: single nucleotide variant.
Coding change: c.4485-1G>T on transcript NM_007294.4 (MANE Select); the canonical splice acceptor site of the intron before coding-DNA position 4485, G replaced by T.
Molecular consequence: splice acceptor variant. On other transcripts: intron variant (3).
Genome position (GRCh38, 1-based): chr17:43,074,522, C>A on the plus strand (G>T on the coding strand, the complement: BRCA1 is on the minus strand). VCF-style: chr17-43074522-C-A. GRCh37 (hg19) VCF-style: chr17-41226539-C-A.
Other names: c.1032-1G>T (NM_001408465.1, NM_001408463.1, NM_001408460.1 and 7 more transcripts); c.963-1G>T (NM_001408482.1, NM_001408490.1, NM_001408489.1 and 5 more transcripts); c.4221-1G>T (NM_001407920.1, NM_001407923.1, NM_001407926.1 and 4 more transcripts); c.4344-1G>T (NM_001407696.1, NM_001407725.1, NM_001407727.1 and 13 more transcripts); c.4341-1G>T (NM_001407751.1, NM_001407740.1, NM_001407739.1 and 21 more transcripts); c.4149-1G>T (NM_001407954.1, NM_001407952.1, NM_001407950.1 and 3 more transcripts); c.909-1G>T (NM_001408504.1, NM_001408502.1, NM_001408503.1); c.4338-1G>T (NM_001407847.1, NM_001407841.1, NM_001407851.1 and 12 more transcripts); and 71 more.
Identifiers: ClinVar variation 246501 (VCV000246501.23), dbSNP rs80358189, ClinGen allele CA10584553.
Genomic context (GRCh38, chr17:43,074,522, plus strand): 5'-CCAGAGCAACTGTGCATGTACCACCTATCATCTAATGATGGGCATTTAGAAGGGGATGAC[C>A]TAGAAAGATAAATGGAAGGAGAAAACCATCGCCACCAATTGTGAAAGGACAAATCATACT-3'

ClinVar aggregate classification (germline): Pathogenic. Review status: reviewed by expert panel (3 of 4 stars). 7 submissions from 7 submitters: Pathogenic (1). 6 of the submissions do not count toward it. Last evaluated 2019-06-18.

Conditions:
Hereditary cancer-predisposing syndrome. Also called: Hereditary Cancer Syndrome; Neoplastic Syndromes, Hereditary; Hereditary neoplastic syndrome; Tumor predisposition. Identifiers: Orphanet 140162, MedGen C0027672, MeSH D009386, MONDO:0015356.
Hereditary breast ovarian cancer syndrome. Also called: Hereditary breast and ovarian cancer syndrome (HBOC); Breast and ovarian cancer; Hereditary breast and ovarian cancer syndrome; Hereditary breast and ovarian cancer; BRCA1- and BRCA2-Associated Hereditary Breast and Ovarian Cancer; Hereditary breast and/or ovarian cancer syndrome. Identifiers: Orphanet 145, MedGen C0677776, MeSH D061325, MONDO:0003582. Disease mechanism: loss of function.
Breast-ovarian cancer, familial, susceptibility to, 1 (BROVCA1). Also called: BRCA1 Hereditary Breast and Ovarian Cancer; OVARIAN CANCER, SUSCEPTIBILITY TO. Identifiers: Orphanet 145, MedGen C2676676, MONDO:0011450, OMIM 604370. Disease mechanism: loss of function.

Submissions (7):

Evidence-based Network for the Interpretation of Germline Mutant Alleles (ENIGMA)
Classification: Pathogenic for Breast-ovarian cancer, familial, susceptibility to, 1. Last evaluated: 2019-06-18. Review status: reviewed by expert panel. Criteria: ENIGMA BRCA1/2 Classification Criteria (2017-06-29). Collection method: curation. Allele origin: germline.
Comment: IARC class based on posterior probability from multifactorial likelihood analysis, thresholds for class as per Plon et al. 2008 (PMID: 18951446). Class 5 based on posterior probability = 0.997462

Labcorp Genetics (formerly Invitae), Labcorp
Classification: Pathogenic for Hereditary breast ovarian cancer syndrome. Last evaluated: 2024-06-30. Review status: criteria provided, single submitter. Criteria: Invitae Variant Classification Sherloc (09022015). Collection method: clinical testing. Allele origin: germline. Not counted in ClinVar's aggregate classification.
Comment: This sequence change affects an acceptor splice site in intron 13 of the BRCA1 gene. It is expected to disrupt RNA splicing. Variants that disrupt the donor or acceptor splice site typically lead to a loss of protein function (PMID: 16199547), and loss-of-function variants in BRCA1 are known to be pathogenic (PMID: 20104584). This variant is not present in population databases (gnomAD no frequency). Disruption of this splice site has been observed in individual(s) with breast cancer and/or ovarian cancer (PMID: 12181777, 26622941, 27553291, 29446198, 34026625). ClinVar contains an entry for this variant (Variation ID: 246501). Based on a multifactorial likelihood algorithm using genetic, in silico, and/or statistical data, this variant has been determined to have a high probability of being pathogenic (PMID: 31131967). Studies have shown that disruption of this splice site is associated with altered splicing resulting in multiple RNA products (PMID: 26622941). For these reasons, this variant has been classified as Pathogenic.

GeneDx
Classification: Pathogenic. Last evaluated: 2021-01-19. Review status: criteria provided, single submitter. Criteria: GeneDx Variant Classification Process June 2021. Collection method: clinical testing. Allele origin: germline. Affected: yes. Not counted in ClinVar's aggregate classification.
Comment: Canonical splice site variant in a gene for which loss-of-function is a known mechanism of disease (Fleury 2015); Not observed in large population cohorts (Lek 2016); Also known as 4604-1G>T (IVS14-1G>T); Truncating variants in this gene are considered pathogenic by a well-established clinical consortium and/or database; This variant is associated with the following publications: (PMID: 26622941, 29446198, 31131967)

Ambry Genetics
Classification: Pathogenic for Hereditary cancer-predisposing syndrome. Last evaluated: 2020-03-30. Review status: criteria provided, single submitter. Criteria: Ambry Variant Classification Scheme 2023. Collection method: clinical testing. Allele origin: germline. Not counted in ClinVar's aggregate classification.
Comment: The c.4485-1G>T intronic pathogenic mutation results from a G to T substitution one nucleotide upstream from coding exon 13 of the BRCA1 gene. In vivo studies conducted in an EOC cell line homozygous for this alteration identified the presence of a novel transcript induced by abnormal splicing, resulting in the absence of BRCA1 protein (Fleury H et al. Genes Cancer, 2015 Sep;6:378-398). This alteration has been reported in a large, worldwide study of BRCA1 and BRCA2 mutation carriers (Rebbeck TR et al. Hum. Mutat., 2018 05;39:593-620). This alteration was also identified in 2/50726 patients from an unselected population cohort from a single health system who underwent exome sequencing (Manickam K et al. JAMA Netw Open, 2018 09;1:e182140). In addition to the clinical data presented in the literature, alterations that disrupt the canonical splice site are expected to cause aberrant splicing, resulting in an abnormal protein or a transcript that is subject to nonsense-mediated mRNA decay. As such, this alteration is classified as a disease-causing mutation.

GeneKor MSA
Classification: Pathogenic. Last evaluated: 2020-01-01. Review status: criteria provided, single submitter. Criteria: ACMG Guidelines, 2015. Collection method: clinical testing. Allele origin: germline. Not counted in ClinVar's aggregate classification.
Comment: This mutation occurs one base before exon 14 of the BRCA1 gene. This position is highly conserved in the human and other genomes and might be involved in mRNA processing. Therefore, this mutation is expected to disrupt RNA splicing and likely results in an absent or disrupted protein product. This variant is also known as IVS13-1G>T or 4604-1G>T in the literature and it has been reported in a patient with high grade serous ovarian cancer(PMID: 26622941 ). The mutation database ClinVar contains entries for this variant (Variation ID: 246501).

Laboratory for Molecular Medicine, Mass General Brigham Personalized Medicine
Classification: Pathogenic for Hereditary breast ovarian cancer syndrome. Last evaluated: 2017-01-27. Review status: criteria provided, single submitter. Criteria: LMM Criteria. Collection method: clinical testing. Allele origin: germline. Inheritance: Autosomal dominant inheritance. Observed: 2 variant alleles. Not counted in ClinVar's aggregate classification.
Comment: It was absent from large populati on studies. This variant occurs in the invariant region (+/- 1,2) of the splice consensus sequence and is predicted to cause altered splicing leading to an abno rmal or absent protein. Consistent with this prediction, in vitro functional stu dies demonstrate altered splicing and no appreciable protein expression in cells that harbor this variant in the homozygous state (Fleury 2015). In summary, the c.4485-1G>T variant meets criteria to be classified as pathogenic for hereditar y breast and ovarian cancer (HBOC) in an autosomal dominant manner based upon it s predicted impact to the protein and functional studies.

Consortium of Investigators of Modifiers of BRCA1/2 (CIMBA), c/o University of Cambridge
Classification: Pathogenic for Breast-ovarian cancer, familial, susceptibility to, 1. Last evaluated: 2015-10-02. Review status: criteria provided, single submitter. Criteria: CIMBA Mutation Classification guidelines May 2016. Collection method: clinical testing. Allele origin: germline. Not counted in ClinVar's aggregate classification.

Literature cited by the submitters: PubMed 31131967 (cited by Evidence-based Network for the Interpretation of Germline Mutant Alleles (ENIGMA) and Labcorp Genetics (formerly Invitae), Labcorp); PubMed 16199547 (cited by Labcorp Genetics (formerly Invitae), Labcorp); PubMed 20104584 (cited by Labcorp Genetics (formerly Invitae), Labcorp); PubMed 12181777 (cited by Labcorp Genetics (formerly Invitae), Labcorp); PubMed 26622941 (cited by 3 submitters); PubMed 27553291 (cited by Labcorp Genetics (formerly Invitae), Labcorp); PubMed 29446198 (cited by Labcorp Genetics (formerly Invitae), Labcorp and Ambry Genetics); PubMed 34026625 (cited by Labcorp Genetics (formerly Invitae), Labcorp); PubMed 30646163 (cited by Ambry Genetics).